The following is an entry in ClinVar:

NM_015386.3(COG4):c.1927T>C (p.Phe643Leu)

Gene: COG4 (component of oligomeric golgi complex 4; minus strand). Cytogenetic location: 16q22.1.
Variant type: single nucleotide variant.
Coding change: c.1927T>C on transcript NM_015386.3 (MANE Select); coding-DNA position 1927, T replaced by C.
Protein change: p.Phe643Leu; replaces phenylalanine 643 with leucine.
Molecular consequence: missense variant. On other transcripts: non-coding transcript variant (1).
Genome position (GRCh38, 1-based): chr16:70,482,169, A>G on the plus strand (T>C on the coding strand, the complement: COG4 is on the minus strand). VCF-style: chr16-70482169-A-G. GRCh37 (hg19) VCF-style: chr16-70516072-A-G.
Other names: c.1852T>C, p.Phe618Leu (NM_001195139.2); c.1501T>C, p.Phe501Leu (NM_001365426.1); short protein forms F501L, F618L, F643L.
Identifiers: ClinVar variation 719725 (VCV000719725.13), dbSNP rs189821897, ClinGen allele CA8144116.
Genomic context (GRCh38, chr16:70,482,169, plus strand): 5'-GCTGCTCCAGGTTAAGGATGAACTGTTGTACCCAAGGGTCGTTGGCCTCATAGTCATTGA[A>G]TTCTTCCTGTTGTCAGGAAGCAGGGCTGGTCACCATGGGCCTCATAAGAAGTACCATTCA-3'
Protein context (NP_056201.2, residues 633-653): SVSHNIEEEE[Phe643Leu]NDYEANDPWV

ClinVar aggregate classification (germline): Conflicting classifications of pathogenicity. Review status: criteria provided, conflicting classifications (1 of 4 stars). 3 submissions from 3 submitters: Uncertain significance (2); Likely benign (1). Last evaluated 2023-12-12.

Conditions:
COG4-congenital disorder of glycosylation. Also called: CONGENITAL DISORDER OF GLYCOSYLATION, TYPE IIj; CDG IIj; COG4-CDG. Identifiers: Orphanet 263501, MedGen C4303552, MONDO:0013281, OMIM 613489.

Allele frequency attached by ClinVar (database versions not stated): gnomAD exomes 0.00008 and 0.00031; gnomAD 0.00011 and 0.00015; TOPMed 0.00028; ExAC 0.00035; 1000 Genomes Project 30x 0.00062; 1000 Genomes Project 0.00080.
gnomAD v4.1: 139 of 1,611,708 alleles (0.0086%); highest among the groups gnomAD compares: East Asian, 0.25%; no homozygotes.

Submissions (3):

GeneDx
Classification: Uncertain significance. Last evaluated: 2023-12-12. Review status: criteria provided, single submitter. Criteria: GeneDx Variant Classification Process June 2021. Collection method: clinical testing. Allele origin: germline. Affected: yes.
Comment: Reported in unrelated patients with atrioventricular nodal reentry tachycardia and unrelated healthy controls (PMID: 32508047, 25668207); In silico analysis supports that this missense variant has a deleterious effect on protein structure/function; This variant is associated with the following publications: (PMID: 29581464, 25668207, 31146700, 32508047)

Labcorp Genetics (formerly Invitae), Labcorp
Classification: Likely benign for COG4-congenital disorder of glycosylation. Last evaluated: 2022-07-12. Review status: criteria provided, single submitter. Criteria: Invitae Variant Classification Sherloc (09022015). Collection method: clinical testing. Allele origin: germline.

Victorian Clinical Genetics Services, Murdoch Childrens Research Institute
Classification: Uncertain significance for COG4-congenital disorder of glycosylation. Last evaluated: 2020-05-21. Review status: criteria provided, single submitter. Criteria: ACMG Guidelines, 2015. Collection method: clinical testing. Allele origin: germline. Affected: yes.
Comment: A heterozygous missense variant was identified, NM_015386.2(COG4):c.1927T>C in exon 16 of 19 of the COG4 gene. This substitution is predicted to create a minor amino acid change from a phenylalanine to a leucine at position 643 of the protein, NP_056201.2(COG4):p.(Phe643Leu). The phenylalanine at this position has very high conservation (100 vertebrates, UCSC), and is located within the D domain. In silico software predictions of the pathogenicity of this variant are conflicting (Polyphen, SIFT, CADD, Mutation Taster). The variant is present in the gnomAD population database at a global frequency of 0.03% (86 heterozygotes, 0 homozygotes) and 0.4% in the East Asian subpopulation, but has not been previously reported in clinical cases. Based on information available at the time of curation, this variant has been classified as a VUS. Legend: (P) - Pathogenic, (N) - Neutral, (B) - Benign